The following is an entry in ClinVar:

ClinVar aggregate classification (germline): Uncertain significance (1 of 4 stars; one submission).

Submission:

Labcorp Genetics (formerly Invitae), Labcorp
Classification: Uncertain significance. Last evaluated: 2024-12-24. Review status: criteria provided, single submitter. Criteria: Invitae Variant Classification Sherloc (09022015). Collection method: clinical testing. Allele origin: germline.
Comment: This sequence change replaces threonine, which is neutral and polar, with lysine, which is basic and polar, at codon 90 of the VSX1 protein (p.Thr90Lys). This variant is present in population databases (rs760634274, gnomAD 0.07%), and has an allele count higher than expected for a pathogenic variant. This variant has not been reported in the literature in individuals affected with VSX1-related conditions. Invitae Evidence Modeling of protein sequence and biophysical properties (such as structural, functional, and spatial information, amino acid conservation, physicochemical variation, residue mobility, and thermodynamic stability) indicates that this missense variant is not expected to disrupt VSX1 protein function with a negative predictive value of 80%. In summary, the available evidence is currently insufficient to determine the role of this variant in disease. Therefore, it has been classified as a Variant of Uncertain Significance.

NM_014588.6(VSX1):c.269C>A (p.Thr90Lys)

Gene: VSX1 (visual system homeobox 1; minus strand). Cytogenetic location: 20p11.21.
Variant type: single nucleotide variant.
Coding change: c.269C>A on transcript NM_014588.6 (MANE Select); coding-DNA position 269, C replaced by A.
Protein change: p.Thr90Lys; replaces threonine 90 with lysine.
Molecular consequence: missense variant. On other transcripts: non-coding transcript variant (2).
Genome position (GRCh38, 1-based): chr20:25,081,828, G>T on the plus strand (C>A on the coding strand, the complement: VSX1 is on the minus strand). VCF-style: chr20-25081828-G-T. GRCh37 (hg19) VCF-style: chr20-25062464-G-T.
Other names: c.269C>A, p.Thr90Lys (NM_001256271.2, NM_001256272.2, NM_199425.3); short protein forms T90K.
Identifiers: ClinVar variation 3628532 (VCV003628532.2).